The following is an entry in ClinVar:

NM_001136193.2(FASTKD2):c.991-68A>G

Gene: FASTKD2 (FAST kinase domains 2; plus strand). Cytogenetic location: 2q33.3.
Variant type: single nucleotide variant.
Coding change: c.991-68A>G on transcript NM_001136193.2 (MANE Select); 68 bases into the intron before coding-DNA position 991, A replaced by G.
Molecular consequence: intron variant.
Genome position (GRCh38, 1-based): chr2:206,771,826, A>G. VCF-style: chr2-206771826-A-G. GRCh37 (hg19) VCF-style: chr2-207636550-A-G.
Other names: c.991-68A>G (NM_001136194.2, NM_014929.4).
Identifiers: ClinVar variation 671650 (VCV000671650.1), dbSNP rs13392746, ClinGen allele CA63714797.

ClinVar aggregate classification (germline): Likely benign (1 of 4 stars; one submission).

Allele frequency attached by ClinVar (database versions not stated): gnomAD exomes 0.00126; gnomAD 0.01226 and 0.01317; 1000 Genomes Project 30x 0.01374; 1000 Genomes Project 0.01378; TOPMed 0.01382.

Submission:

GeneDx
Classification: Likely benign. Last evaluated: 2018-06-14. Review status: criteria provided, single submitter. Criteria: GeneDx Variant Classification (06012015). Collection method: clinical testing. Allele origin: germline. Affected: yes.
Comment: This variant is considered likely benign or benign based on one or more of the following criteria: it is a conservative change, it occurs at a poorly conserved position in the protein, it is predicted to be benign by multiple in silico algorithms, and/or has population frequency not consistent with disease.